The following is an entry in ClinVar:

ClinVar aggregate classification (germline): Uncertain significance (1 of 4 stars; one submission).

Allele frequency attached by ClinVar (database versions not stated): ExAC 0.00001; gnomAD exomes 0.00001 and 0.00002; gnomAD 0.00005; TOPMed 0.00005.
gnomAD v4.1: 15 of 1,613,052 alleles (0.00093%); highest among the groups gnomAD compares: Middle Eastern, 0.016%; no homozygotes.

Submission:

Laboratory for Molecular Medicine, Mass General Brigham Personalized Medicine
Classification: Uncertain significance. Last evaluated: 2014-06-05. Review status: criteria provided, single submitter. Criteria: LMM Criteria. Collection method: clinical testing. Allele origin: germline. Observed: 1 variant allele.
Comment: The Arg22281Trp variant in TTN has not been previously reported in individuals w ith cardiomyopathy or in large population studies. Computational prediction tool s and conservation analysis do not provide strong support for or against an impa ct to the protein. In summary, the clinical significance of the Arg22281Trp vari ant is uncertain.

NM_001267550.2(TTN):c.74545C>T (p.Arg24849Trp)

Genes: TTN (titin; minus strand), TTN-AS1 (TTN antisense RNA 1; plus strand). Cytogenetic location: 2q31.2.
Variant type: single nucleotide variant.
Coding change: c.74545C>T on transcript NM_001267550.2 (MANE Select); coding-DNA position 74545, C replaced by T.
Protein change: p.Arg24849Trp; replaces arginine 24849 with tryptophan.
Molecular consequence: missense variant.
Genome position (GRCh38, 1-based): chr2:178,571,587, G>A on the plus strand (C>T on the coding strand, the complement: TTN is on the minus strand). VCF-style: chr2-178571587-G-A. GRCh37 (hg19) VCF-style: chr2-179436314-G-A.
Other names: c.66841C>T, p.Arg22281Trp (NM_133378.4); c.69622C>T, p.Arg23208Trp (NM_001256850.1); c.47350C>T, p.Arg15784Trp (NM_003319.4); c.47725C>T, p.Arg15909Trp (NM_133432.3); c.47926C>T, p.Arg15976Trp (NM_133437.4); short protein forms R22281W, R24849W, R15784W, R15976W, R23208W, R15909W.
Identifiers: ClinVar variation 165841 (VCV000165841.5), dbSNP rs727503562, ClinGen allele CA178507.